The following is an entry in ClinVar:

ClinVar aggregate classification (germline): Uncertain significance (1 of 4 stars; one submission).

Submission:

Labcorp Genetics (formerly Invitae), Labcorp
Classification: Uncertain significance. Last evaluated: 2022-02-20. Review status: criteria provided, single submitter. Criteria: Invitae Variant Classification Sherloc (09022015). Collection method: clinical testing. Allele origin: germline.
Comment: In summary, the available evidence is currently insufficient to determine the role of this variant in disease. Therefore, it has been classified as a Variant of Uncertain Significance. Algorithms developed to predict the effect of missense changes on protein structure and function are either unavailable or do not agree on the potential impact of this missense change (SIFT: "Deleterious"; PolyPhen-2: "Possibly Damaging"; Align-GVGD: "Class C0"). This variant has not been reported in the literature in individuals affected with USH1C-related conditions. This variant is not present in population databases (gnomAD no frequency). This sequence change replaces proline, which is neutral and non-polar, with arginine, which is basic and polar, at codon 542 of the USH1C protein (p.Pro542Arg).

NM_153676.4(USH1C):c.2525C>G (p.Pro842Arg)

Gene: USH1C (USH1 protein network component harmonin; minus strand). Cytogenetic location: 11p15.1.
Variant type: single nucleotide variant.
Coding change: c.2525C>G on transcript NM_153676.4 (MANE Select); coding-DNA position 2525, C replaced by G.
Protein change: p.Pro842Arg; replaces proline 842 with arginine.
Molecular consequence: missense variant. On other transcripts: non-coding transcript variant (1).
Genome position (GRCh38, 1-based): chr11:17,496,779, G>C on the plus strand (C>G on the coding strand, the complement: USH1C is on the minus strand). VCF-style: chr11-17496779-G-C. GRCh37 (hg19) VCF-style: chr11-17518326-G-C.
Other names: c.1568C>G, p.Pro523Arg (NM_001297764.2); c.1625C>G, p.Pro542Arg (NM_005709.4); short protein forms P542R, P523R, P842R.
Identifiers: ClinVar variation 1942413 (VCV001942413.5), dbSNP rs2496975378, ClinGen allele CA379798764.